The following is an entry in ClinVar:

NM_001365951.3(KIF1B):c.4946+9C>T

Gene: KIF1B (kinesin family member 1B; plus strand). Cytogenetic location: 1p36.22.
Variant type: single nucleotide variant.
Coding change: c.4946+9C>T on transcript NM_001365951.3 (MANE Select); 9 bases into the intron after coding-DNA position 4946, C replaced by T.
Molecular consequence: intron variant.
Genome position (GRCh38, 1-based): chr1:10,371,271, C>T. VCF-style: chr1-10371271-C-T. GRCh37 (hg19) VCF-style: chr1-10431329-C-T.
Other names: c.4808+9C>T (NM_015074.3); c.4946+9C>T (NM_001365952.1).
Identifiers: ClinVar variation 291583 (VCV000291583.26), dbSNP rs72867431, ClinGen allele CA582221.

ClinVar aggregate classification (germline): Benign. Review status: criteria provided, multiple submitters, no conflicts (2 of 4 stars). 10 submissions from 10 submitters: Benign (8). 2 of the submissions do not count toward it. Last evaluated 2026-02-04.

Conditions:
Charcot-Marie-Tooth disease. Also called: Charcot-Marie-Tooth Neuropathy; Charcot-Marie-Tooth Hereditary Neuropathy. Identifiers: Orphanet 166, MedGen C0007959, MONDO:0015626.
Hereditary cancer-predisposing syndrome. Also called: Neoplastic Syndromes, Hereditary; Hereditary Cancer Syndrome; Tumor predisposition; Hereditary neoplastic syndrome. Identifiers: Orphanet 140162, MedGen C0027672, MeSH D009386, MONDO:0015356.
Charcot-Marie-Tooth disease type 2. Also called: Charcot-Marie-Tooth type 2. Identifiers: Orphanet 64746, MedGen C0270914, MONDO:0018993.
Neuroblastoma (NB). Identifiers: Orphanet 635, MedGen C0027819, MeSH D009447, MONDO:0005072, HP:0003006.

Allele frequency attached by ClinVar (database versions not stated): ESP Exome Variant Server 0.03306; gnomAD exomes 0.03349; ExAC 0.03356; gnomAD 0.03539 and 0.03521; TOPMed 0.03580; 1000 Genomes Project 0.04253; 1000 Genomes Project 30x 0.04232.

Submissions (10):

Labcorp Genetics (formerly Invitae), Labcorp
Classification: Benign for Charcot-Marie-Tooth disease type 2. Last evaluated: 2026-02-04. Review status: criteria provided, single submitter. Criteria: Invitae Variant Classification Sherloc (09022015). Collection method: clinical testing. Allele origin: germline.

Dasa
Classification: Benign. Last evaluated: 2025-11-05. Review status: criteria provided, single submitter. Criteria: DASA Assertion Criteria. Collection method: clinical testing. Allele origin: germline.
Comment: NM_001365951.3(KIF1B):c.4946+9C>T is a splice-region variant. Population frequency is inconsistent with a disease-causing role for this variant, and observations in unaffected individuals support a benign interpretation. Computational prediction algorithms are consistent with a benign effect. Therefore, based on the currently available evidence, this variant is classified as benign.

Molecular Diagnostics Laboratory, Catalan Institute of Oncology
Classification: Benign for Hereditary cancer-predisposing syndrome. Last evaluated: 2025-07-08. Review status: criteria provided, single submitter. Criteria: ACMG Guidelines, 2015. Collection method: clinical testing. Allele origin: germline.
Comment: BA1, BP4, BP7 KIF1B c.4808+9C>T is an intronic variant located not very close close to a canonical splice site (BP7).The variant allele was found in 9144/268210 alleles (188 homozygous), with a filtering allele frequency of 3.32% at 99% confidence, in the gnomAD v2.1.1 database (non-cancer data set)(BA1). The SpliceAI algorithm predicts no significant impact on splicing (BP4). To our knowledge, neither relevant clinical data nor well-established functional studies have been reported for this variant. This variant has been reported in the ClinVar database (8x benign) and in the LOVD database (2x benign). Based on currently available information, c.4808+9C>T is classified as a benign variant according to ACMG guidelines.

Ambry Genetics
Classification: Benign. Last evaluated: 2020-07-28. Review status: criteria provided, single submitter. Criteria: Ambry Variant Classification Scheme 2023. Collection method: clinical testing. Allele origin: germline.

Illumina Laboratory Services, Illumina
Classification: Benign for Neuroblastoma. Last evaluated: 2018-01-12. Review status: criteria provided, single submitter. Criteria: ICSL Variant Classification Criteria 13 December 2019. Collection method: clinical testing. Allele origin: germline.
Comment: This variant was observed in the ICSL laboratory as part of a predisposition screen in an ostensibly healthy population. It had not been previously curated by ICSL or reported in the Human Gene Mutation Database (HGMD: prior to June 1st, 2018), and was therefore a candidate for classification through an automated scoring system. Utilizing variant allele frequency, disease prevalence and penetrance estimates, and inheritance mode, an automated score was calculated to assess if this variant is too frequent to cause the disease. Based on the score and internal cut-off values, a variant classified as benign is not then subjected to further curation. The score for this variant resulted in a classification of benign for this disease.

GeneDx
Classification: Benign. Last evaluated: 2015-03-03. Review status: criteria provided, single submitter. Criteria: GeneDx Variant Classification Process June 2021. Collection method: clinical testing. Allele origin: germline. Affected: yes.

Breakthrough Genomics
Classification: Benign. Review status: criteria provided, single submitter. Criteria: ACMG Guidelines, 2015. Collection method: not provided. Allele origin: germline. Inheritance: Autosomal dominant inheritance. Affected: yes.

Molecular Genetics Laboratory, London Health Sciences Centre
Classification: Benign for Charcot-Marie-Tooth disease. Review status: criteria provided, single submitter. Criteria: ACMG Guidelines, 2015. Collection method: clinical testing. Allele origin: germline. Affected: yes.

Clinical Genetics, Academic Medical Center
Classification: Benign. Review status: no assertion criteria provided. Collection method: clinical testing. Allele origin: germline. Affected: yes. Study: VKGL Data-share Consensus. Not counted in ClinVar's aggregate classification.

Genome Diagnostics Laboratory, University Medical Center Utrecht
Classification: Benign. Review status: no assertion criteria provided. Collection method: clinical testing. Allele origin: germline. Affected: yes. Study: VKGL Data-share Consensus. Not counted in ClinVar's aggregate classification.